The following is an entry in ClinVar:

NM_002878.4(RAD51D):c.598del (p.Thr199_Val200insTer)

Genes: RAD51D (RAD51 paralog D; minus strand), RAD51L3-RFFL (RAD51L3-RFFL readthrough; minus strand). Cytogenetic location: 17q12.
Variant type: Deletion.
Coding change: c.598del on transcript NM_002878.4 (MANE Select); coding-DNA position 598, one base deleted (G; older notation c.598delG).
Protein change: p.Thr199_Val200insTer.
Molecular consequence: nonsense. On other transcripts: non-coding transcript variant (3).
Genome position (GRCh38, 1-based): chr17:35,103,523, C deleted on the plus strand (G on the coding strand, the reverse complement: RAD51D is on the minus strand). VCF-style (leftmost placement, unchanged base first): chr17-35103522-AC-A. GRCh37 (hg19) VCF-style: chr17-33430541-AC-A.
Other names: c.658del, p.Thr219_Val220insTer (NM_001142571.2); c.262del, p.Thr87_Val88insTer (NM_133629.3).
Identifiers: ClinVar variation 1098877 (VCV001098877.3), dbSNP rs2142420962, ClinGen allele CA2573054409.

ClinVar aggregate classification (germline): Likely pathogenic. Review status: criteria provided, multiple submitters, no conflicts (2 of 4 stars). 2 submissions from 2 submitters: Likely pathogenic (2). Last evaluated 2021-05-10.

Conditions:
Breast-ovarian cancer, familial, susceptibility to, 4. Identifiers: Orphanet 145, MedGen C3280345, MONDO:0013669, OMIM 614291.

Submissions (2):

Hereditary Cancer Group, L’Institut d'Investigació Biomèdica de Bellvitge
Classification: Likely pathogenic for Breast-ovarian cancer, familial, susceptibility to, 4. Last evaluated: 2021-05-10. Review status: criteria provided, single submitter. Criteria: ACMG Guidelines, 2015. Collection method: curation. Allele origin: germline.

Juno Genomics, Hangzhou Juno Genomics, Inc
Classification: Likely pathogenic for Breast-ovarian cancer, familial, susceptibility to, 4. Review status: criteria provided, single submitter. Criteria: ACMG Guidelines, 2015. Collection method: clinical testing. Allele origin: germline.
Comment: Null variant in a gene where loss of function (LOF) is a known mechanism of disease.;Absent from controls (or at extremely low frequency if recessive) in Genome Aggregation Database.

Literature cited by the submitters: PubMed 33151324 (cited by Hereditary Cancer Group, L’Institut d'Investigació Biomèdica de Bellvitge).